The following is an entry in ClinVar:

NM_005359.6(SMAD4):c.1648C>A (p.Pro550Thr)

Gene: SMAD4 (SMAD family member 4; plus strand). Cytogenetic location: 18q21.2.
Variant type: single nucleotide variant.
Coding change: c.1648C>A on transcript NM_005359.6 (MANE Select); coding-DNA position 1648, C replaced by A.
Protein change: p.Pro550Thr; replaces proline 550 with threonine.
Molecular consequence: missense variant. On other transcripts: non-coding transcript variant (1).
Genome position (GRCh38, 1-based): chr18:51,078,456, C>A. VCF-style: chr18-51078456-C-A. GRCh37 (hg19) VCF-style: chr18-48604826-C-A.
Other names: c.1648C>A, p.Pro550Thr (NM_001407041.1, NM_001407042.1); short protein forms P550T.
Identifiers: ClinVar variation 5029755 (VCV005029755.1).
Genomic context (GRCh38, chr18:51,078,456, plus strand): 5'-CACCGGGCCCTCCAGCTCCTAGACGAAGTACTTCATACCATGCCGATTGCAGACCCACAA[C>A]CTTTAGACTGAGGTCTTTTACCGTTGGGGCCCTTAACCTTATCAGGATGGTGGACTACAA-3'
Protein context (NP_005350.1, residues 540-552): LHTMPIADPQ[Pro550Thr]LD

ClinVar aggregate classification (germline): Uncertain significance (1 of 4 stars; one submission).

Conditions:
Familial thoracic aortic aneurysm and aortic dissection (TAAD). Also called: Thoracic aortic aneurysms and dissections. Identifiers: Orphanet 91387, MedGen C4707243, MONDO:0019625.
Hereditary cancer-predisposing syndrome. Also called: Neoplastic Syndromes, Hereditary; Tumor predisposition; Hereditary neoplastic syndrome; Hereditary Cancer Syndrome. Identifiers: Orphanet 140162, MedGen C0027672, MeSH D009386, MONDO:0015356.

Submission:

Ambry Genetics
Classification: Uncertain significance for Hereditary cancer-predisposing syndrome; Familial thoracic aortic aneurysm and aortic dissection. Last evaluated: 2026-07-28. Review status: criteria provided, single submitter. Criteria: Ambry Variant Classification Scheme 2023. Collection method: clinical testing. Allele origin: germline.
Comment: The p.P550T variant (also known as c.1648C>A), located in coding exon 11 of the SMAD4 gene, results from a C to A substitution at nucleotide position 1648. The proline at codon 550 is replaced by threonine, an amino acid with highly similar properties. This amino acid position is conserved. In addition, this alteration is predicted to be deleterious by in silico analysis. Based on the available evidence, the clinical significance of this variant remains unclear.